The following continues an entry in ClinVar:

NM_000030.3(AGXT):c.32C>G (p.Pro11Arg)

Gene: AGXT. ClinVar aggregate classification (germline): Conflicting classifications of pathogenicity. Pathogenic (11); Likely pathogenic (3); Uncertain significance (1).

Submissions 13 to 19 of 19:

Department of Pathology and Laboratory Medicine, Sinai Health System
Classification: Likely pathogenic for Primary hyperoxaluria, type I. Last evaluated: 2023-01-02. Review status: criteria provided, single submitter. Criteria: ACMG Guidelines, 2015. Collection method: research. Allele origin: germline.

Arcensus
Classification: Likely pathogenic for Primary hyperoxaluria, type I. Last evaluated: 2013-02-01. Review status: criteria provided, single submitter. Criteria: ACMG Guidelines, 2015. Collection method: clinical testing. Allele origin: germline. Affected: yes.

Juno Genomics, Hangzhou Juno Genomics, Inc
Classification: Pathogenic for Primary hyperoxaluria, type I. Review status: criteria provided, single submitter. Criteria: ACMG Guidelines, 2015. Collection method: clinical testing. Allele origin: germline.
Comment: Absent from controls (or at extremely low frequency if recessive) in Genome Aggregation Database.;Well-established in vitro or in vivo functional studies supportive of a damaging effect on the gene or gene product.;For recessive disorders, detected in trans with a pathogenic variant.;Patient's phenotype or family history is highly specific for a disease with a single genetic etiology.

Chinese Inherited Urolithiasis Consortium, The Affiliated Yantai Yuhuangding Hospital of Qingdao University
Classification: Pathogenic for Primary hyperoxaluria, type I. Last evaluated: 2024-08-26. Review status: no assertion criteria provided. Collection method: clinical testing. Allele origin: paternal, biparental. Affected: yes. Observed: 2 variant alleles. Not counted in ClinVar's aggregate classification.

Biochemical Molecular Genetic Laboratory, King Abdulaziz Medical City
Classification: Pathogenic for Primary hyperoxaluria, type I. Last evaluated: 2020-11-12. Review status: no assertion criteria provided. Collection method: clinical testing. Allele origin: germline. Affected: yes. Not counted in ClinVar's aggregate classification.

Clinical Biochemistry Laboratory, Health Services Laboratory
Classification: Pathogenic for Primary hyperoxaluria, type I. Last evaluated: 2014-11-27. Review status: no assertion criteria provided. Collection method: in vitro. Allele origin: germline. Affected: yes. Not counted in ClinVar's aggregate classification.

Genomic Medicine Center of Excellence, King Faisal Specialist Hospital and Research Centre
Classification: Uncertain significance for Primary hyperoxaluria, type I. Last evaluated: 2024-03-25. Review status: flagged submission. Criteria: ACMG Guidelines, 2015. Collection method: research. Allele origin: germline. Not counted in ClinVar's aggregate classification.
ClinVar note: Reason: Outlier claim with insufficient supporting evidence

Literature cited by the submitters: PubMed 22821680 (cited by 4 submitters); PubMed 32556641 (cited by 4 submitters); PubMed 35149915 (cited by 3 submitters); PubMed 34995728 (cited by Natera, Inc.); PubMed 37464296 (cited by Natera, Inc. and Women's Health and Genetics/Laboratory Corporation of America, LabCorp); PubMed 19479957 (cited by 3 submitters); PubMed 28904440 (cited by Women's Health and Genetics/Laboratory Corporation of America, LabCorp); PubMed 33721035 (cited by Women's Health and Genetics/Laboratory Corporation of America, LabCorp and Ambry Genetics); PubMed 33691640 (cited by Women's Health and Genetics/Laboratory Corporation of America, LabCorp); PubMed 37144129 (cited by Women's Health and Genetics/Laboratory Corporation of America, LabCorp and Ambry Genetics); PubMed 37306718 (cited by Ambry Genetics); PubMed 37874369 (cited by Ambry Genetics).